The following is an entry in ClinVar:

ClinVar aggregate classification (germline): Uncertain significance. Review status: criteria provided, multiple submitters, no conflicts (2 of 4 stars). 3 submissions from 3 submitters: Uncertain significance (3). Last evaluated 2026-01-17.

Conditions:
Inborn genetic diseases. Identifiers: MedGen C0950123, MeSH D030342.
Congenital myopathy with internal nuclei and atypical cores. Also called: Myopathy, centronuclear, 4. Identifiers: Orphanet 319160, MedGen C4707232, MONDO:0013890, OMIM 614807.

Allele frequency attached by ClinVar (database versions not stated): gnomAD exomes 0.00001 and 0.00002; TOPMed 0.00006; gnomAD 0.00007 and 0.00008.

Submissions (3):

Labcorp Genetics (formerly Invitae), Labcorp
Classification: Uncertain significance for Congenital myopathy with internal nuclei and atypical cores. Last evaluated: 2026-01-17. Review status: criteria provided, single submitter. Criteria: Invitae Variant Classification Sherloc (09022015). Collection method: clinical testing. Allele origin: germline.
Comment: This sequence change replaces glycine, which is neutral and non-polar, with aspartic acid, which is acidic and polar, at codon 35 of the CCDC78 protein (p.Gly35Asp). This variant is present in population databases (no rsID available, gnomAD 0.03%). This variant has not been reported in the literature in individuals affected with CCDC78-related conditions. ClinVar contains an entry for this variant (Variation ID: 447005). Invitae Evidence Modeling of protein sequence and biophysical properties (such as structural, functional, and spatial information, amino acid conservation, physicochemical variation, residue mobility, and thermodynamic stability) indicates that this missense variant is not expected to disrupt CCDC78 protein function with a negative predictive value of 80%. In summary, the available evidence is currently insufficient to determine the role of this variant in disease. Therefore, it has been classified as a Variant of Uncertain Significance.

Ambry Genetics
Classification: Uncertain significance for Inborn genetic diseases. Last evaluated: 2025-08-29. Review status: criteria provided, single submitter. Criteria: Ambry Variant Classification Scheme 2023. Collection method: clinical testing. Allele origin: germline.

Athena Diagnostics
Classification: Uncertain significance. Last evaluated: 2017-04-27. Review status: criteria provided, single submitter. Criteria: Athena Diagnostics Criteria. Collection method: clinical testing. Allele origin: germline.

NM_001378030.1(CCDC78):c.104G>A (p.Gly35Asp)

Gene: CCDC78 (coiled-coil domain containing 78; minus strand). Cytogenetic location: 16p13.3.
Variant type: single nucleotide variant.
Coding change: c.104G>A on transcript NM_001378030.1 (MANE Select); coding-DNA position 104, G replaced by A.
Protein change: p.Gly35Asp; replaces glycine 35 with aspartic acid.
Molecular consequence: missense variant. On other transcripts: 5 prime UTR variant (1), non-coding transcript variant (5).
Genome position (GRCh38, 1-based): chr16:726,042, C>T on the plus strand (G>A on the coding strand, the complement: CCDC78 is on the minus strand). VCF-style: chr16-726042-C-T. GRCh37 (hg19) VCF-style: chr16-776042-C-T.
Other names: c.104G>A, p.Gly35Asp (NM_001031737.3, NM_001378031.1); c.-182G>A (NM_001378033.1); short protein forms G35D.
Identifiers: ClinVar variation 447005 (VCV000447005.10), dbSNP rs929692414, ClinGen allele CA276521072.